The following is an entry in ClinVar:

ClinVar aggregate classification (germline): Uncertain significance (1 of 4 stars; one submission).

Allele frequency attached by ClinVar (database versions not stated): gnomAD 0.00001; TOPMed 0.00001.
gnomAD v4.1: 1 of 1,614,002 alleles (0.000062%); highest among the groups gnomAD compares: Non-Finnish European, 0.000085%; no homozygotes.

Submission:

Ambry Genetics
Classification: Uncertain significance. Last evaluated: 2021-08-19. Review status: criteria provided, single submitter. Criteria: Ambry Variant Classification Scheme 2023. Collection method: clinical testing. Allele origin: germline.
Comment: The p.G625D variant (also known as c.1874G>A), located in coding exon 9 of the PALLD gene, results from a G to A substitution at nucleotide position 1874. The glycine at codon 625 is replaced by aspartic acid, an amino acid with similar properties. This amino acid position is conserved. In addition, the in silico prediction for this alteration is inconclusive. Since supporting evidence is limited at this time, the clinical significance of this alteration remains unclear.

NM_001166108.2(PALLD):c.1874G>A (p.Gly625Asp)

Gene: PALLD (palladin, cytoskeletal associated protein; plus strand). Cytogenetic location: 4q32.3.
Variant type: single nucleotide variant.
Coding change: c.1874G>A on transcript NM_001166108.2 (MANE Select); coding-DNA position 1874, G replaced by A.
Protein change: p.Gly625Asp; replaces glycine 625 with aspartic acid.
Molecular consequence: missense variant.
Genome position (GRCh38, 1-based): chr4:168,711,833, G>A. VCF-style: chr4-168711833-G-A. GRCh37 (hg19) VCF-style: chr4-169632984-G-A.
Other names: c.728G>A, p.Gly243Asp (NM_001166109.2); c.1874G>A, p.Gly625Asp (NM_016081.4); short protein forms G625D, G243D.
Identifiers: ClinVar variation 1781749 (VCV001781749.2), dbSNP rs1784866104, ClinGen allele CA358798547.